The following is an entry in ClinVar:

NM_001291303.3(FAT4):c.2461G>C (p.Asp821His)

Gene: FAT4 (FAT atypical cadherin 4; plus strand). Cytogenetic location: 4q28.1.
Variant type: single nucleotide variant.
Coding change: c.2461G>C on transcript NM_001291303.3 (MANE Select); coding-DNA position 2461, G replaced by C.
Protein change: p.Asp821His; replaces aspartic acid 821 with histidine.
Molecular consequence: missense variant.
Genome position (GRCh38, 1-based): chr4:125,318,872, G>C. VCF-style: chr4-125318872-G-C. GRCh37 (hg19) VCF-style: chr4-126240027-G-C.
Other names: c.2461G>C, p.Asp821His (NM_001291285.3, NM_024582.6); short protein forms D821H.
Identifiers: ClinVar variation 1805515 (VCV001805515.2), dbSNP rs2530435798, ClinGen allele CA358120368.

ClinVar aggregate classification (germline): Uncertain significance (1 of 4 stars; one submission).

Conditions:
Van Maldergem syndrome 2 (VMLDS2). Identifiers: Orphanet 314679, MedGen C3809875, MONDO:0014242, OMIM 615546.

Submission:

Victorian Clinical Genetics Services, Murdoch Childrens Research Institute
Classification: Uncertain significance for Van Maldergem syndrome 2. Last evaluated: 2019-08-28. Review status: criteria provided, single submitter. Criteria: ACMG Guidelines, 2015. Collection method: clinical testing. Allele origin: germline. Inheritance: Autosomal recessive inheritance.
Comment: A heterozygous missense variant, NM_024582.4(FAT4):c.2461G>C, has been identified in exon 1 of 17 of the FAT4 gene. The variant is predicted to result in a moderate amino acid change from an aspartic acid to a histidine at position 821 of the protein (NP_078858.4(FAT4):p.(Asp821His)). The aspartic acid residue at this position has very high conservation (100 vertebrates, UCSC), and is located within the 8th cadherin repeat. In silico predictions for this variant are consistently pathogenic (Polyphen, SIFT, CADD, Mutation Taster). The variant is absent from the gnomAD population database and has not been previously reported in clinical cases. Based on the information available at the time of curation, this variant has been classified as a VUS.